The following is an entry in ClinVar:

NM_203447.4(DOCK8):c.1126-790G>A

Gene: DOCK8 (dedicator of cytokinesis 8; plus strand). Cytogenetic location: 9p24.3.
Variant type: single nucleotide variant.
Coding change: c.1126-790G>A on transcript NM_203447.4 (MANE Select); 790 bases into the intron before coding-DNA position 1126, G replaced by A.
Molecular consequence: intron variant.
Genome position (GRCh38, 1-based): chr9:333,435, G>A. VCF-style: chr9-333435-G-A. GRCh37 (hg19) VCF-style: chr9-333435-G-A.
Other names: c.922-790G>A (NM_001193536.2, NM_001190458.2).
Identifiers: ClinVar variation 1879726 (VCV001879726.29), dbSNP rs182588117, ClinGen allele CA187757853.

ClinVar aggregate classification (germline): Benign (1 of 4 stars; one submission).

Allele frequency attached by ClinVar (database versions not stated): gnomAD 0.00627; 1000 Genomes Project 0.00639; 1000 Genomes Project 30x 0.00796.
gnomAD v4.1: 941 of 151,866 alleles (0.62%); highest among the groups gnomAD compares: African/African-American, 1.3%; 4 homozygotes.

Submission:

CeGaT Center for Human Genetics Tuebingen
Classification: Benign. Last evaluated: 2023-11-01. Review status: criteria provided, single submitter. Criteria: CeGaT Center For Human Genetics Tuebingen Variant Classification Criteria Version 2. Collection method: clinical testing. Allele origin: germline. Affected: yes. Observed: 11 variant alleles.
Comment: DOCK8: BS1, BS2